The following is an entry in ClinVar:

ClinVar aggregate classification (germline): Pathogenic (1 of 4 stars; one submission).

Submission:

ISCA Site 6
Classification: Pathogenic. Last evaluated: 2011-08-12. Review status: criteria provided, single submitter. Criteria: Kaminsky et al. (Genet Med. 2011). Collection method: clinical testing. Allele origin: maternal. Affected: yes. Observed: 1 variant allele.
Comment: Copy number variation identified through the course of routine clinical cytogenomic testing in postnatal populations. Clinical assertions have been curated as described in Kaminsky et al. 2011.

GRCh38/hg38 15q11.2-13.1(chr15:23320410-28460005)x3

Genes: ATP10A (ATPase phospholipid transporting 10A (putative); minus strand), ATP10A-DT (ATP10A divergent transcript; plus strand), GABRA5 (gamma-aminobutyric acid type A receptor subunit alpha5; plus strand), GABRB3 (gamma-aminobutyric acid type A receptor subunit beta3; minus strand), GABRG3 (gamma-aminobutyric acid type A receptor subunit gamma3; plus strand) and 144 more. Cytogenetic location: 15q11.2-13.1.
Variant type: copy number gain.
Change: copy number 3 (three copies instead of two) of chr15:23,320,410-28,460,005 (5.14 Mb, GRCh38 coordinates, 1-based), cytogenetic band 15q11.2-13.1.
Identifiers: ClinVar variation 58071 (VCV000058071.2).